The following is an entry in ClinVar:

NM_001364905.1(LRBA):c.5755-1G>C

Gene: LRBA (LPS responsive beige-like anchor protein; minus strand). Cytogenetic location: 4q31.3.
Variant type: single nucleotide variant.
Coding change: c.5755-1G>C on transcript NM_001364905.1 (MANE Select); the canonical splice acceptor site of the intron before coding-DNA position 5755, G replaced by C.
Molecular consequence: splice acceptor variant.
Genome position (GRCh38, 1-based): chr4:150,683,718, C>G on the plus strand (G>C on the coding strand, the complement: LRBA is on the minus strand). VCF-style: chr4-150683718-C-G. GRCh37 (hg19) VCF-style: chr4-151604870-C-G.
Other names: c.5755-1G>C (NM_001367550.1, NM_006726.5, NM_001199282.3 and 2 more transcripts).
Identifiers: ClinVar variation 1973189 (VCV001973189.5), dbSNP rs2547165271, ClinGen allele CA358610706.

ClinVar aggregate classification (germline): Likely pathogenic (1 of 4 stars; one submission).

Conditions:
Combined immunodeficiency due to LRBA deficiency. Also called: Common variable immunodeficiency 8, with autoimmunity. Identifiers: Orphanet 445018, MedGen C3553512, MONDO:0013863, OMIM 614700.

Allele frequency attached by ClinVar (database versions not stated): gnomAD exomes below 0.00001.
gnomAD v4.1: 1 of 1,570,244 alleles (0.000064%); highest among the groups gnomAD compares: African/African-American, 0.0014%; no homozygotes.

Submission:

Labcorp Genetics (formerly Invitae), Labcorp
Classification: Likely pathogenic for Combined immunodeficiency due to LRBA deficiency. Last evaluated: 2025-12-14. Review status: criteria provided, single submitter. Criteria: Invitae Variant Classification Sherloc (09022015). Collection method: clinical testing. Allele origin: germline.
Comment: This sequence change affects an acceptor splice site in intron 36 of the LRBA gene. It is expected to disrupt RNA splicing. Variants that disrupt the donor or acceptor splice site typically lead to a loss of protein function (PMID: 16199547), and loss-of-function variants in LRBA are known to be pathogenic (PMID: 26206937, 26768763). This variant is not present in population databases (gnomAD no frequency). This variant has not been reported in the literature in individuals affected with LRBA-related conditions. ClinVar contains an entry for this variant (Variation ID: 1973189). Algorithms developed to predict the effect of sequence changes on RNA splicing suggest that this variant may disrupt the consensus splice site. In summary, the currently available evidence indicates that the variant is pathogenic, but additional data are needed to prove that conclusively. Therefore, this variant has been classified as Likely Pathogenic.

Literature cited by the submitters: PubMed 16199547; PubMed 26206937; PubMed 26768763.